The following is an entry in ClinVar:

NM_001127178.3(PIGG):c.2890A>G (p.Ile964Val)

Gene: PIGG (phosphatidylinositol glycan anchor biosynthesis class G (EMM blood group); plus strand). Cytogenetic location: 4p16.3.
Variant type: single nucleotide variant.
Coding change: c.2890A>G on transcript NM_001127178.3 (MANE Select); coding-DNA position 2890, A replaced by G.
Protein change: p.Ile964Val; replaces isoleucine 964 with valine.
Molecular consequence: missense variant. On other transcripts: non-coding transcript variant (10).
Genome position (GRCh38, 1-based): chr4:539,307, A>G. VCF-style: chr4-539307-A-G. GRCh37 (hg19) VCF-style: chr4-533096-A-G.
Other names: c.2623A>G, p.Ile875Val (NM_001289051.2, NM_001345986.2); c.2491A>G, p.Ile831Val (NM_001289052.2); c.2599A>G, p.Ile867Val (NM_001345987.2); c.1861A>G, p.Ile621Val (NM_001345988.2); c.1357A>G, p.Ile453Val (NM_001345990.2, NM_001345991.2); c.1792A>G, p.Ile598Val (NM_001345994.2); c.2866A>G, p.Ile956Val (NM_017733.5); short protein forms I875V, I453V, I598V, I621V, I831V, I956V, I964V, I867V.
Identifiers: ClinVar variation 2016496 (VCV002016496.4), dbSNP rs371311001, ClinGen allele CA91081706.

ClinVar aggregate classification (germline): Uncertain significance (1 of 4 stars; one submission).

Conditions:
Intellectual disability, autosomal recessive 53 (NEDHSCA). Also called: NEURODEVELOPMENTAL DISORDER WITH OR WITHOUT HYPOTONIA, SEIZURES, AND CEREBELLAR ATROPHY; GLYCOSYLPHOSPHATIDYLINOSITOL BIOSYNTHESIS DEFECT 13; Mental retardation, autosomal recessive 53. Identifiers: Orphanet 488635, MedGen C4310794, MONDO:0014832, OMIM 616917.

Allele frequency attached by ClinVar (database versions not stated): gnomAD exomes below 0.00001; TOPMed below 0.00001; ESP Exome Variant Server 0.00008.
gnomAD v4.1: 3 of 1,613,824 alleles (0.00019%); highest among the groups gnomAD compares: Non-Finnish European, 0.00025%; no homozygotes.

Submission:

Labcorp Genetics (formerly Invitae), Labcorp
Classification: Uncertain significance for Intellectual disability, autosomal recessive 53. Last evaluated: 2022-10-27. Review status: criteria provided, single submitter. Criteria: Invitae Variant Classification Sherloc (09022015). Collection method: clinical testing. Allele origin: germline.
Comment: In summary, the available evidence is currently insufficient to determine the role of this variant in disease. Therefore, it has been classified as a Variant of Uncertain Significance. Advanced modeling of protein sequence and biophysical properties (such as structural, functional, and spatial information, amino acid conservation, physicochemical variation, residue mobility, and thermodynamic stability) performed at Invitae indicates that this missense variant is not expected to disrupt PIGG protein function. This variant has not been reported in the literature in individuals affected with PIGG-related conditions. This variant is not present in population databases (gnomAD no frequency). This sequence change replaces isoleucine, which is neutral and non-polar, with valine, which is neutral and non-polar, at codon 964 of the PIGG protein (p.Ile964Val).